The following is an entry in ClinVar:

ClinVar aggregate classification (germline): Pathogenic. Review status: criteria provided, multiple submitters, no conflicts (2 of 4 stars). 5 submissions from 5 submitters: Pathogenic (3). 2 of the submissions do not count toward it. Last evaluated 2026-04-16.

Conditions:
Hereditary cancer-predisposing syndrome. Also called: Hereditary neoplastic syndrome; Neoplastic Syndromes, Hereditary; Hereditary Cancer Syndrome; Tumor predisposition. Identifiers: Orphanet 140162, MedGen C0027672, MeSH D009386, MONDO:0015356.
Carney complex, type 1 (CNC1). Also called: CARNEY COMPLEX, TYPE I; CARNEY MYXOMA-ENDOCRINE COMPLEX. Identifiers: Orphanet 1359, MedGen C2607929, MONDO:0008057, OMIM 160980.

Submissions (5):

Ambry Genetics
Classification: Pathogenic for Hereditary cancer-predisposing syndrome. Last evaluated: 2026-04-16. Review status: criteria provided, single submitter. Criteria: Ambry Variant Classification Scheme 2023. Collection method: clinical testing. Allele origin: germline.
Comment: The p.M1? pathogenic mutation (also known as c.1A>G) is located in coding exon 1 of the PRKAR1A gene and results from a A to G substitution at nucleotide position 1. This alters the methionine residue at the initiation codon (ATG). This variant was reported in individuals with features consistent with PRKAR1A-related Carney complex (Kirschner LS et al. Hum Mol Genet, 2000 Dec;9:3037-46; Pereira AM et al. J Clin Endocrinol Metab, 2010 Jan;95:338-42; Cai XL et al. Chin Med J (Engl), 2017 Dec;130:3009-3010; Navarro Moreno C et al. Horm Res Paediatr, 2018 Jun;89:423-433). In multiple assays testing PRKAR1A function, this variant showed functionally abnormal results (Pereira AM et al. J Clin Endocrinol Metab, 2010 Jan;95:338-42; Anselmo J et al. J Clin Endocrinol Metab, 2012 Feb;97:351-9). This variant is considered to be rare based on population cohorts in the Genome Aggregation Database (gnomAD). This amino acid position is well conserved in available vertebrate species. In addition to the clinical data presented in the literature, sequence variations that modify the initiation codon are expected to result in either loss of translation initiation, N-terminal truncation, or cause a shift in the mRNA reading frame. Based on the supporting evidence, this alteration is pathogenic for Carney complex; however, the association of this alteration with acrodysostosis is unknown.

Labcorp Genetics (formerly Invitae), Labcorp
Classification: Pathogenic for Carney complex, type 1. Last evaluated: 2024-10-30. Review status: criteria provided, single submitter. Criteria: Invitae Variant Classification Sherloc (09022015). Collection method: clinical testing. Allele origin: germline.
Comment: This sequence change affects the initiator methionine of the PRKAR1A mRNA. The next in-frame methionine is located at codon 47. This variant is not present in population databases (gnomAD no frequency). Disruption of the initiator codon has been observed in individual(s) with PRKAR1A-related conditions (PMID: 11115848, 19915019, 29909407). It has also been observed to segregate with disease in related individuals. This variant is also known as 88A>G. ClinVar contains an entry for this variant (Variation ID: 12669). Algorithms developed to predict the effect of variants on gene product structure and function are not available or were not evaluated for this variant. Experimental studies have shown that disruption of the initiator codon affects PRKAR1A function (PMID: 19915019). For these reasons, this variant has been classified as Pathogenic.

GeneDx
Classification: Pathogenic. Last evaluated: 2019-04-25. Review status: criteria provided, single submitter. Criteria: GeneDx Variant Classification Process June 2021. Collection method: clinical testing. Allele origin: germline. Affected: yes.
Comment: This variant is thought to lead to an alternate start codon downstream of the original start codon, and decrease binding of the PRKAR1A protein (Kirschner et al., 2000; Salpa et al., 2014); Initiation codon variant in a gene for which loss-of-function is a known mechanism of disease; Not observed in large population cohorts (Lek et al., 2016); This variant is associated with the following publications: (PMID: 22471738, 20850710, 24012779, 20829611, 11115848, 19915019, 27377598, 22112814, 21115159, 20358582, 16464939, 18241045, 29390296, 29237939, 29909407)

OMIM
Classification: Pathogenic for CARNEY COMPLEX, TYPE 1. Last evaluated: 2000-12-12. Review status: no assertion criteria provided. Collection method: literature only. Allele origin: germline. Not counted in ClinVar's aggregate classification.

GeneReviews
No classification provided. Condition: Carney complex, type 1. Review status: no classification provided. Collection method: literature only. Allele origin: germline. Not counted in ClinVar's aggregate classification.

Literature cited by the submitters: PubMed 11115848 (cited by 3 submitters); PubMed 19915019 (cited by Ambry Genetics and Labcorp Genetics (formerly Invitae), Labcorp); PubMed 22112814 (cited by Ambry Genetics); PubMed 29237939 (cited by Ambry Genetics); PubMed 29909407 (cited by Ambry Genetics and Labcorp Genetics (formerly Invitae), Labcorp); PubMed 10973256 (cited by GeneReviews).

NM_002734.5(PRKAR1A):c.1A>G (p.Met1Val)

Gene: PRKAR1A (protein kinase cAMP-dependent type I regulatory subunit alpha; plus strand). Cytogenetic location: 17q24.2.
Variant type: single nucleotide variant.
Coding change: c.1A>G on transcript NM_002734.5 (MANE Select); coding-DNA position 1, A replaced by G.
Protein change: p.Met1Val; changes the start codon (methionine 1).
Molecular consequence: missense variant, initiator codon variant.
Genome position (GRCh38, 1-based): chr17:68,515,400, A>G. VCF-style: chr17-68515400-A-G. GRCh37 (hg19) VCF-style: chr17-66511541-A-G.
Other names: c.1A>G, p.Met1Val (NM_001276289.2, NM_001276290.1, NM_001278433.2 and 4 more transcripts); short protein forms M1V.
Identifiers: ClinVar variation 12669 (VCV000012669.11), dbSNP rs281864779, ClinGen allele CA341227.
Genomic context (GRCh38, chr17:68,515,400, plus strand): 5'-ATTGACATTTTGCTTTATAGTTTATACAAGCATGTGTGTGTTTTTTTCTCGCAGAGAACC[A>G]TGGAGTCTGGCAGTACCGCCGCCAGTGAGGAGGCACGCAGCCTTCGAGAATGTGAGCTCT-3'
Protein context (NP_002725.1, residues 1-11): [Met1Val]ESGSTAASEE